The following is an entry in ClinVar:

ClinVar aggregate classification (germline): Pathogenic (1 of 4 stars; one submission).

Conditions:
Hereditary cancer-predisposing syndrome. Also called: Neoplastic Syndromes, Hereditary; Tumor predisposition; Hereditary Cancer Syndrome; Hereditary neoplastic syndrome. Identifiers: Orphanet 140162, MedGen C0027672, MeSH D009386, MONDO:0015356.

Submission:

Ambry Genetics
Classification: Pathogenic for Hereditary cancer-predisposing syndrome. Last evaluated: 2024-10-05. Review status: criteria provided, single submitter. Criteria: Ambry Variant Classification Scheme 2023. Collection method: clinical testing. Allele origin: germline.
Comment: The c.126_127delTA pathogenic mutation, located in coding exon 1 of the APC gene, results from a deletion of two nucleotides at nucleotide positions 126 to 127, causing a translational frameshift with a predicted alternate stop codon (p.N43Yfs*6). This alteration is expected to result in loss of function by premature protein truncation or nonsense-mediated mRNA decay. As such, this alteration is interpreted as a disease-causing mutation. However, alterations that result in premature termination in coding exon 1 are associated with an attenuated phenotype and may have reduced penetrance compared to classic familial adenomatous polyposis syndrome. Clinical correlation is advised.

NM_000038.6(APC):c.126_127del (p.Asn43fs)

Gene: APC (APC regulator of Wnt signaling pathway; plus strand). Cytogenetic location: 5q22.2.
Variant type: Deletion.
Coding change: c.126_127del on transcript NM_000038.6 (MANE Select); coding-DNA positions 126 to 127, 2 bases deleted (TA; older notation c.126_127delTA).
Protein change: p.Asn43fs; shifts the reading frame from asparagine 43.
Molecular consequence: frameshift variant. On other transcripts: 5 prime UTR variant (4), non-coding transcript variant (2), intron variant (11).
Genome position (GRCh38, 1-based): chr5:112,755,016-112,755,017, TA deleted. VCF-style (leftmost placement, unchanged base first): chr5-112755015-CTA-C. GRCh37 (hg19) VCF-style: chr5-112090712-CTA-C.
Other names: c.126_127del, p.Asn43fs (NM_001127510.3, NM_001354895.2, NM_001354896.2 and 16 more transcripts); c.-910_-909del (NM_001354906.2, NM_001407470.1, NM_001407471.1 and 1 more transcripts); c.166-11310_166-11309del (NM_001407446.1, NM_001354897.2, NM_001354902.2 and 1 more transcripts); c.-42-11310_-42-11309del (NM_001407453.1, NM_001354900.2, NM_001354901.2 and 1 more transcripts); c.61-11310_61-11309del (NM_001407451.1, NM_001354898.2, NM_001354904.2); short protein forms N43fs.
Identifiers: ClinVar variation 3411254 (VCV003411254.1).